The following is an entry in ClinVar:

NM_001352514.2(HLCS):c.727G>A (p.Val243Ile)

Gene: HLCS (holocarboxylase synthetase; minus strand). Cytogenetic location: 21q22.13.
Variant type: single nucleotide variant.
Coding change: c.727G>A on transcript NM_001352514.2 (MANE Select); coding-DNA position 727, G replaced by A.
Protein change: p.Val243Ile; replaces valine 243 with isoleucine.
Molecular consequence: missense variant. On other transcripts: non-coding transcript variant (2).
Genome position (GRCh38, 1-based): chr21:36,937,159, C>T on the plus strand (G>A on the coding strand, the complement: HLCS is on the minus strand). VCF-style: chr21-36937159-C-T. GRCh37 (hg19) VCF-style: chr21-38309459-C-T.
Other names: p.V96I:GTT>ATT; c.286G>A, p.Val96Ile (NM_000411.8, NM_001242784.3, NM_001242785.2 and 4 more transcripts); short protein forms V96I, V243I.
Identifiers: ClinVar variation 137550 (VCV000137550.19), dbSNP rs61732502, ClinGen allele CA291180.

ClinVar aggregate classification (germline): Benign. Review status: criteria provided, multiple submitters, no conflicts (2 of 4 stars). 8 submissions from 8 submitters: Benign (5). 3 of the submissions do not count toward it. Last evaluated 2026-02-02.

Conditions:
Holocarboxylase synthetase deficiency. Also called: MULTIPLE CARBOXYLASE DEFICIENCY, EARLY ONSET. Identifiers: Orphanet 79242, MedGen C0268581, MONDO:0009666, OMIM 253270.

Allele frequency attached by ClinVar (database versions not stated): gnomAD exomes 0.02170; ExAC 0.02465; ESP Exome Variant Server 0.03960; gnomAD 0.04019 and 0.04059; TOPMed 0.04100; 1000 Genomes Project 30x 0.05762; 1000 Genomes Project 0.05831.
gnomAD v4.1: 23,111 of 1,614,104 alleles (1.4%); highest among the groups gnomAD compares: African/African-American, 11%; 664 homozygotes.

Submissions (8):

Labcorp Genetics (formerly Invitae), Labcorp
Classification: Benign for Holocarboxylase synthetase deficiency. Last evaluated: 2026-02-02. Review status: criteria provided, single submitter. Criteria: Invitae Variant Classification Sherloc (09022015). Collection method: clinical testing. Allele origin: germline.

Illumina Laboratory Services, Illumina
Classification: Benign for Holocarboxylase synthetase deficiency. Last evaluated: 2018-01-13. Review status: criteria provided, single submitter. Criteria: ICSL Variant Classification Criteria 13 December 2019. Collection method: clinical testing. Allele origin: germline.
Comment: This variant was observed in the ICSL laboratory as part of a predisposition screen in an ostensibly healthy population. It had not been previously curated by ICSL or reported in the Human Gene Mutation Database (HGMD: prior to June 1st, 2018), and was therefore a candidate for classification through an automated scoring system. Utilizing variant allele frequency, disease prevalence and penetrance estimates, and inheritance mode, an automated score was calculated to assess if this variant is too frequent to cause the disease. Based on the score and internal cut-off values, a variant classified as benign is not then subjected to further curation. The score for this variant resulted in a classification of benign for this disease.

GeneDx
Classification: Benign. Last evaluated: 2013-11-19. Review status: criteria provided, single submitter. Criteria: GeneDx Variant Classification (06012015). Collection method: clinical testing. Allele origin: germline. Affected: yes.
Comment: This variant is considered likely benign or benign based on one or more of the following criteria: it is a conservative change, it occurs at a poorly conserved position in the protein, it is predicted to be benign by multiple in silico algorithms, and/or has population frequency not consistent with disease.

Breakthrough Genomics
Classification: Benign. Review status: criteria provided, single submitter. Criteria: ACMG Guidelines, 2015. Collection method: not provided. Allele origin: germline. Inheritance: Autosomal recessive inheritance. Affected: yes.

PreventionGenetics, part of Exact Sciences
Classification: Benign. Review status: criteria provided, single submitter. Criteria: ACMG Guidelines, 2015. Collection method: clinical testing. Allele origin: germline.

Natera, Inc.
Classification: Benign for Holocarboxylase synthetase deficiency. Last evaluated: 2020-09-16. Review status: no assertion criteria provided. Collection method: clinical testing. Allele origin: germline. Not counted in ClinVar's aggregate classification.

Clinical Genetics, Academic Medical Center
Classification: Benign. Review status: no assertion criteria provided. Collection method: clinical testing. Allele origin: germline. Affected: yes. Study: VKGL Data-share Consensus. Not counted in ClinVar's aggregate classification.

Laboratory of Diagnostic Genome Analysis, Leiden University Medical Center (LUMC)
Classification: Likely benign. Review status: no assertion criteria provided. Collection method: clinical testing. Allele origin: germline. Affected: yes. Study: VKGL Data-share Consensus. Not counted in ClinVar's aggregate classification.